The following is an entry in ClinVar:

NM_152383.5(DIS3L2):c.2653A>T (p.Ser885Cys)

Gene: DIS3L2 (DIS3 like 3'-5' exoribonuclease 2; plus strand). Cytogenetic location: 2q37.1.
Variant type: single nucleotide variant.
Coding change: c.2653A>T on transcript NM_152383.5 (MANE Select); coding-DNA position 2653, A replaced by T.
Protein change: p.Ser885Cys; replaces serine 885 with cysteine.
Molecular consequence: missense variant. On other transcripts: non-coding transcript variant (2), intron variant (1).
Genome position (GRCh38, 1-based): chr2:232,336,625, A>T. VCF-style: chr2-232336625-A-T. GRCh37 (hg19) VCF-style: chr2-233201335-A-T.
Other names: c.1582-6720A>T (NM_001257281.2); short protein forms S885C.
Identifiers: ClinVar variation 2420687 (VCV002420687.6), dbSNP rs1410322218, ClinGen allele CA350979156.

ClinVar aggregate classification (germline): Uncertain significance (1 of 4 stars; one submission).

Conditions:
Perlman syndrome (PRLMNS). Identifiers: Orphanet 2849, MedGen C0796113, MONDO:0009965, OMIM 267000.

Submission:

Labcorp Genetics (formerly Invitae), Labcorp
Classification: Uncertain significance for Perlman syndrome. Last evaluated: 2022-02-08. Review status: criteria provided, single submitter. Criteria: Invitae Variant Classification Sherloc (09022015). Collection method: clinical testing. Allele origin: germline.
Comment: In summary, the available evidence is currently insufficient to determine the role of this variant in disease. Therefore, it has been classified as a Variant of Uncertain Significance. Algorithms developed to predict the effect of missense changes on protein structure and function are either unavailable or do not agree on the potential impact of this missense change (SIFT: "Deleterious"; PolyPhen-2: "Not Available"; Align-GVGD: "Class C0"). This variant has not been reported in the literature in individuals affected with DIS3L2-related conditions. This variant is not present in population databases (gnomAD no frequency). This sequence change replaces serine, which is neutral and polar, with cysteine, which is neutral and slightly polar, at codon 885 of the DIS3L2 protein (p.Ser885Cys).